The following is an entry in ClinVar:

ClinVar aggregate classification (germline): Uncertain significance (1 of 4 stars; one submission).

Conditions:
Hereditary cancer-predisposing syndrome. Also called: Neoplastic Syndromes, Hereditary; Tumor predisposition; Hereditary Cancer Syndrome; Hereditary neoplastic syndrome. Identifiers: Orphanet 140162, MedGen C0027672, MeSH D009386, MONDO:0015356.

Submission:

Ambry Genetics
Classification: Uncertain significance for Hereditary cancer-predisposing syndrome. Last evaluated: 2019-08-20. Review status: criteria provided, single submitter. Criteria: Ambry Variant Classification Scheme 2023. Collection method: clinical testing. Allele origin: germline.
Comment: The p.N384H variant (also known as c.1150A>C), located in coding exon 8 of the BRIP1 gene, results from an A to C substitution at nucleotide position 1150. The asparagine at codon 384 is replaced by histidine, an amino acid with similar properties. This amino acid position is not well conserved in available vertebrate species. In addition, this alteration is predicted to be tolerated by in silico analysis. Since supporting evidence is limited at this time, the clinical significance of this alteration remains unclear.

NM_032043.3(BRIP1):c.1150A>C (p.Asn384His)

Gene: BRIP1 (BRCA1 interacting DNA helicase 1; minus strand). Cytogenetic location: 17q23.2.
Variant type: single nucleotide variant.
Coding change: c.1150A>C on transcript NM_032043.3 (MANE Select); coding-DNA position 1150, A replaced by C.
Protein change: p.Asn384His; replaces asparagine 384 with histidine.
Molecular consequence: missense variant.
Genome position (GRCh38, 1-based): chr17:61,799,290, T>G on the plus strand (A>C on the coding strand, the complement: BRIP1 is on the minus strand). VCF-style: chr17-61799290-T-G. GRCh37 (hg19) VCF-style: chr17-59876651-T-G.
Other names: short protein forms N384H.
Identifiers: ClinVar variation 1733918 (VCV001733918.2), dbSNP rs1603342354, ClinGen allele CA400483814.